The following is an entry in ClinVar:

ClinVar aggregate classification (germline): Uncertain significance (1 of 4 stars; one submission).

gnomAD v4.1: 1 of 1,612,200 alleles (0.000062%); no homozygotes.

Submission:

Labcorp Genetics (formerly Invitae), Labcorp
Classification: Uncertain significance. Last evaluated: 2025-07-07. Review status: criteria provided, single submitter. Criteria: Invitae Variant Classification Sherloc (09022015). Collection method: clinical testing. Allele origin: germline.
Comment: This sequence change replaces glutamine, which is neutral and polar, with histidine, which is basic and polar, at codon 187 of the MPDZ protein (p.Gln187His). This variant is not present in population databases (gnomAD no frequency). This variant has not been reported in the literature in individuals affected with MPDZ-related conditions. ClinVar contains an entry for this variant (Variation ID: 2741650). An algorithm developed to predict the effect of missense changes on protein structure and function (PolyPhen-2) suggests that this variant is likely to be disruptive. In summary, the available evidence is currently insufficient to determine the role of this variant in disease. Therefore, it has been classified as a Variant of Uncertain Significance.

NM_001378778.1(MPDZ):c.561A>C (p.Gln187His)

Gene: MPDZ (multiple PDZ domain crumbs cell polarity complex component; minus strand). Cytogenetic location: 9p23.
Variant type: single nucleotide variant.
Coding change: c.561A>C on transcript NM_001378778.1 (MANE Select); coding-DNA position 561, A replaced by C.
Protein change: p.Gln187His; replaces glutamine 187 with histidine.
Molecular consequence: missense variant.
Genome position (GRCh38, 1-based): chr9:13,222,419, T>G on the plus strand (A>C on the coding strand, the complement: MPDZ is on the minus strand). VCF-style: chr9-13222419-T-G. GRCh37 (hg19) VCF-style: chr9-13222418-T-G.
Other names: c.561A>C, p.Gln187His (NM_001261406.2, NM_001261407.2, NM_001330637.2 and 14 more transcripts); short protein forms Q187H.
Identifiers: ClinVar variation 2741650 (VCV002741650.3), dbSNP rs35440352, ClinGen allele CA372947322.